The following is an entry in ClinVar:

NM_177402.5(SYT2):c.949A>C (p.Asn317His)

Gene: SYT2 (synaptotagmin 2; minus strand). Cytogenetic location: 1q32.1.
Variant type: single nucleotide variant.
Coding change: c.949A>C on transcript NM_177402.5 (MANE Select); coding-DNA position 949, A replaced by C.
Protein change: p.Asn317His; replaces asparagine 317 with histidine.
Molecular consequence: missense variant.
Genome position (GRCh38, 1-based): chr1:202,599,322, T>G on the plus strand (A>C on the coding strand, the complement: SYT2 is on the minus strand). VCF-style: chr1-202599322-T-G. GRCh37 (hg19) VCF-style: chr1-202568450-T-G.
Other names: c.949A>C, p.Asn317His (NM_001136504.1); short protein forms N317H.
Identifiers: ClinVar variation 2878528 (VCV002878528.3), dbSNP rs2526951277, ClinGen allele CA344256641.

ClinVar aggregate classification (germline): Uncertain significance (1 of 4 stars; one submission).

Submission:

Labcorp Genetics (formerly Invitae), Labcorp
Classification: Uncertain significance. Last evaluated: 2023-12-31. Review status: criteria provided, single submitter. Criteria: Invitae Variant Classification Sherloc (09022015). Collection method: clinical testing. Allele origin: germline.
Comment: This sequence change replaces asparagine, which is neutral and polar, with histidine, which is basic and polar, at codon 317 of the SYT2 protein (p.Asn317His). This variant is not present in population databases (gnomAD no frequency). This variant has not been reported in the literature in individuals affected with SYT2-related conditions. Advanced modeling of protein sequence and biophysical properties (such as structural, functional, and spatial information, amino acid conservation, physicochemical variation, residue mobility, and thermodynamic stability) performed at Invitae indicates that this missense variant is not expected to disrupt SYT2 protein function with a negative predictive value of 80%. In summary, the available evidence is currently insufficient to determine the role of this variant in disease. Therefore, it has been classified as a Variant of Uncertain Significance.